The following is an entry in ClinVar:

NM_001844.5(COL2A1):c.3545G>A (p.Gly1182Asp)

Gene: COL2A1 (collagen type II alpha 1 chain; minus strand). Cytogenetic location: 12q13.11.
Variant type: single nucleotide variant.
Coding change: c.3545G>A on transcript NM_001844.5 (MANE Select); coding-DNA position 3545, G replaced by A.
Protein change: p.Gly1182Asp; replaces glycine 1182 with aspartic acid.
Molecular consequence: missense variant.
Genome position (GRCh38, 1-based): chr12:47,976,015, C>T on the plus strand (G>A on the coding strand, the complement: COL2A1 is on the minus strand). VCF-style: chr12-47976015-C-T. GRCh37 (hg19) VCF-style: chr12-48369798-C-T.
Other names: c.3338G>A, p.Gly1113Asp (NM_033150.3); short protein forms G1182D, G1113D.
Identifiers: ClinVar variation 4709937 (VCV004709937.1).

ClinVar aggregate classification (germline): Pathogenic (1 of 4 stars; one submission).

Submission:

Labcorp Genetics (formerly Invitae), Labcorp
Classification: Pathogenic. Last evaluated: 2025-12-19. Review status: criteria provided, single submitter. Criteria: Invitae Variant Classification Sherloc (09022015). Collection method: clinical testing. Allele origin: germline.
Comment: This sequence change replaces glycine, which is neutral and non-polar, with aspartic acid, which is acidic and polar, at codon 1182 of the COL2A1 protein (p.Gly1182Asp). This variant is not present in population databases (gnomAD no frequency). This missense change has been observed in individuals with clinical features of COL2A1-related conditions (PMID: 22711552; internal data). Invitae Evidence Modeling of protein sequence and biophysical properties (such as structural, functional, and spatial information, amino acid conservation, physicochemical variation, residue mobility, and thermodynamic stability) indicates that this missense variant is expected to disrupt COL2A1 protein function with a positive predictive value of 95%. This variant disrupts the triple helix domain of COL2A1. Glycine residues within the Gly-Xaa-Yaa repeats of the triple helix domain are required for the structure and stability of fibrillar collagens (PMID: 7695699, 8218237, 19344236). In COL2A1, variants affecting these glycine residues are significantly enriched in individuals with disease (PMID: 9016532, 17078022) compared to the general population (ExAC). For these reasons, this variant has been classified as Pathogenic.

Literature cited by the submitters: PubMed 22711552; PubMed 7695699; PubMed 8218237; PubMed 19344236; PubMed 9016532; PubMed 17078022.